The following is an entry in ClinVar:

ClinVar aggregate classification (germline): Uncertain significance. Review status: criteria provided, multiple submitters, no conflicts (2 of 4 stars). 5 submissions from 5 submitters: Uncertain significance (5). Last evaluated 2026-05-12.

Conditions:
Cardiovascular phenotype. Identifiers: MedGen CN230736.
Catecholaminergic polymorphic ventricular tachycardia (CVPT). Also called: Catecholamine-induced polymorphic ventricular tachycardia. Identifiers: Orphanet 3286, MedGen C5574922, MONDO:0017990.
Cardiomyopathy (CMYO). Also called: Cardiomyopathies. Identifiers: Orphanet 167848, MedGen C0878544, MONDO:0004994, HP:0001638. Inheritance: Various modes of inheritance.
Catecholaminergic polymorphic ventricular tachycardia 1. Also called: VENTRICULAR TACHYCARDIA, STRESS-INDUCED POLYMORPHIC 1; VENTRICULAR TACHYCARDIA, CATECHOLAMINERGIC POLYMORPHIC, 1, WITH OR WITHOUT ATRIAL DYSFUNCTION AND/OR DILATED CARDIOMYOPATHY; RYR2-Related Catecholaminergic Polymorphic Ventricular Tachycardia. Identifiers: Orphanet 3286, MedGen C1631597, MONDO:0011484, OMIM 604772.

Allele frequency attached by ClinVar (database versions not stated): TOPMed below 0.00001; gnomAD exomes below 0.00001.
gnomAD v4.1: 5 of 1,598,994 alleles (0.00031%); highest among the groups gnomAD compares: Non-Finnish European, 0.00043%; no homozygotes.

Submissions (5):

Ambry Genetics
Classification: Uncertain significance for Cardiovascular phenotype. Last evaluated: 2026-05-12. Review status: criteria provided, single submitter. Criteria: Ambry Variant Classification Scheme 2023. Collection method: clinical testing. Allele origin: germline.
Comment: The p.T2057I variant (also known as c.6170C>T), located in coding exon 41 of the RYR2 gene, results from a C to T substitution at nucleotide position 6170. The threonine at codon 2057 is replaced by isoleucine, an amino acid with similar properties. This amino acid position is well conserved in available vertebrate species. In addition, this alteration is predicted to be tolerated by in silico analysis. Based on the available evidence, the clinical significance of this variant remains unclear.

Labcorp Genetics (formerly Invitae), Labcorp
Classification: Uncertain significance for Catecholaminergic polymorphic ventricular tachycardia 1. Last evaluated: 2024-09-09. Review status: criteria provided, single submitter. Criteria: Invitae Variant Classification Sherloc (09022015). Collection method: clinical testing. Allele origin: germline.
Comment: This sequence change replaces threonine, which is neutral and polar, with isoleucine, which is neutral and non-polar, at codon 2057 of the RYR2 protein (p.Thr2057Ile). This variant is not present in population databases (gnomAD no frequency). This variant has not been reported in the literature in individuals affected with RYR2-related conditions. ClinVar contains an entry for this variant (Variation ID: 921409). Invitae Evidence Modeling of protein sequence and biophysical properties (such as structural, functional, and spatial information, amino acid conservation, physicochemical variation, residue mobility, and thermodynamic stability) indicates that this missense variant is not expected to disrupt RYR2 protein function with a negative predictive value of 95%. In summary, the available evidence is currently insufficient to determine the role of this variant in disease. Therefore, it has been classified as a Variant of Uncertain Significance.

Color Diagnostics, LLC DBA Color Health
Classification: Uncertain significance for Cardiomyopathy. Last evaluated: 2024-03-06. Review status: criteria provided, single submitter. Criteria: ACMG Guidelines, 2015. Collection method: clinical testing. Allele origin: germline.
Comment: This missense variant replaces threonine with isoleucine at codon 2057 of the RYR2 protein. Computational prediction suggests that this variant may not impact protein structure and function (internally defined REVEL score threshold <= 0.5, PMID: 27666373). To our knowledge, functional studies have not been reported for this variant. This variant has not been reported in individuals affected with cardiovascular disorders in the literature. This variant has not been identified in the general population by the Genome Aggregation Database (gnomAD). The available evidence is insufficient to determine the role of this variant in disease conclusively. Therefore, this variant is classified as a Variant of Uncertain Significance.

All of Us Research Program, National Institutes of Health
Classification: Uncertain significance for Catecholaminergic polymorphic ventricular tachycardia. Last evaluated: 2023-06-15. Review status: criteria provided, single submitter. Criteria: ACMG Guidelines, 2015. Collection method: clinical testing. Allele origin: germline. Inheritance: Autosomal dominant inheritance. Observed: 1 variant allele, 1 heterozygote.
Comment: This missense variant replaces threonine with isoleucine at codon 2057 of the RYR2 protein. Computational prediction suggests that this variant may not impact protein structure and function (internally defined REVEL score threshold <= 0.5, PMID: 27666373). To our knowledge, functional studies have not been reported for this variant. This variant has not been reported in individuals affected with cardiovascular disorders in the literature. This variant has not been identified in the general population by the Genome Aggregation Database (gnomAD). The available evidence is insufficient to determine the role of this variant in disease conclusively. Therefore, this variant is classified as a Variant of Uncertain Significance.

This study involves interpretation of variants in research participants for the purpose of population health screening. Participant phenotype was not available at the time of variant classification. Additional details can be found in publication PMID: 35346344, PMCID: PMC8962531

Mayo Clinic Laboratories, Mayo Clinic
Classification: Uncertain significance. Last evaluated: 2022-04-08. Review status: criteria provided, single submitter. Criteria: ACMG Guidelines, 2015. Collection method: clinical testing. Allele origin: germline. Observed: 1 variant allele.
Comment: PM2

NM_001035.3(RYR2):c.6170C>T (p.Thr2057Ile)

Gene: RYR2 (ryanodine receptor 2; plus strand). Cytogenetic location: 1q43.
Variant type: single nucleotide variant.
Coding change: c.6170C>T on transcript NM_001035.3 (MANE Select); coding-DNA position 6170, C replaced by T.
Protein change: p.Thr2057Ile; replaces threonine 2057 with isoleucine.
Molecular consequence: missense variant.
Genome position (GRCh38, 1-based): chr1:237,627,810, C>T. VCF-style: chr1-237627810-C-T. GRCh37 (hg19) VCF-style: chr1-237791110-C-T.
Other names: p.Thr2057Ile; c.6170C>T (NM_001035.2); short protein forms T2057I.
Identifiers: ClinVar variation 921409 (VCV000921409.15), dbSNP rs1679842104, ClinGen allele CA345410261.